The following is an entry in ClinVar:

NM_018076.5(ODAD2):c.2567C>T (p.Ala856Val)

Gene: ODAD2 (outer dynein arm docking complex subunit 2; minus strand). Cytogenetic location: 10p12.1.
Variant type: single nucleotide variant.
Coding change: c.2567C>T on transcript NM_018076.5 (MANE Select); coding-DNA position 2567, C replaced by T.
Protein change: p.Ala856Val; replaces alanine 856 with valine.
Molecular consequence: missense variant.
Genome position (GRCh38, 1-based): chr10:27,907,706, G>A on the plus strand (C>T on the coding strand, the complement: ODAD2 is on the minus strand). VCF-style: chr10-27907706-G-A. GRCh37 (hg19) VCF-style: chr10-28196635-G-A.
Other names: c.2567C>T, p.Ala856Val (NM_001290020.2); c.1142C>T, p.Ala381Val (NM_001290021.2); c.1643C>T, p.Ala548Val (NM_001312689.2); c.2567C>T (NM_018076.2); short protein forms A381V, A548V, A856V.
Identifiers: ClinVar variation 1053283 (VCV001053283.8), dbSNP rs1241280737, ClinGen allele CA376389438.

ClinVar aggregate classification (germline): Uncertain significance. Review status: criteria provided, multiple submitters, no conflicts (2 of 4 stars). 2 submissions from 2 submitters: Uncertain significance (2). Last evaluated 2025-08-12.

Conditions:
Primary ciliary dyskinesia. Also called: Ciliary dyskinesia. Identifiers: Orphanet 244, MedGen C0008780, MONDO:0016575, HP:0012265.
Primary ciliary dyskinesia 23 (CILD23). Also called: CILIARY DYSKINESIA, PRIMARY, 23, WITH OR WITHOUT SITUS INVERSUS. Identifiers: Orphanet 244, MedGen C3809548, MONDO:0014193, OMIM 615451.

Allele frequency attached by ClinVar (database versions not stated): gnomAD 0.00004; TOPMed 0.00004.
gnomAD v4.1: 7 of 1,613,698 alleles (0.00043%); highest among the groups gnomAD compares: African/African-American, 0.0093%; no homozygotes.

Submissions (2):

Ambry Genetics
Classification: Uncertain significance for Primary ciliary dyskinesia. Last evaluated: 2025-08-12. Review status: criteria provided, single submitter. Criteria: Ambry Variant Classification Scheme 2023. Collection method: clinical testing. Allele origin: germline.
Comment: The p.A856V variant (also known as c.2567C>T), located in coding exon 16 of the ARMC4 gene, results from a C to T substitution at nucleotide position 2567. The alanine at codon 856 is replaced by valine, an amino acid with similar properties. This amino acid position is conserved. In addition, the in silico prediction for this alteration is inconclusive. Based on the available evidence, the clinical significance of this variant remains unclear.

Labcorp Genetics (formerly Invitae), Labcorp
Classification: Uncertain significance for Primary ciliary dyskinesia 23. Last evaluated: 2020-01-29. Review status: criteria provided, single submitter. Criteria: Invitae Variant Classification Sherloc (09022015). Collection method: clinical testing. Allele origin: germline.
Comment: In summary, the available evidence is currently insufficient to determine the role of this variant in disease. Therefore, it has been classified as a Variant of Uncertain Significance. Algorithms developed to predict the effect of sequence changes on RNA splicing suggest that this variant may create or strengthen a splice site, but this prediction has not been confirmed by published transcriptional studies. Algorithms developed to predict the effect of missense changes on protein structure and function are either unavailable or do not agree on the potential impact of this missense change (SIFT: "Deleterious"; PolyPhen-2: "Probably Damaging"; Align-GVGD: "Class C0"). This variant has not been reported in the literature in individuals with ARMC4-related conditions. This variant is not present in population databases (ExAC no frequency). This sequence change replaces alanine with valine at codon 856 of the ARMC4 protein (p.Ala856Val). The alanine residue is moderately conserved and there is a small physicochemical difference between alanine and valine.